The following is an entry in ClinVar:

ClinVar aggregate classification (germline): Uncertain significance (1 of 4 stars; one submission).

Allele frequency attached by ClinVar (database versions not stated): gnomAD exomes below 0.00001.
gnomAD v4.1: 2 of 1,544,390 alleles (0.00013%); highest among the groups gnomAD compares: Non-Finnish European, 0.00017%; no homozygotes.

Submission:

Labcorp Genetics (formerly Invitae), Labcorp
Classification: Uncertain significance. Last evaluated: 2025-10-22. Review status: criteria provided, single submitter. Criteria: Invitae Variant Classification Sherloc (09022015). Collection method: clinical testing. Allele origin: germline.
Comment: This sequence change replaces cysteine, which is neutral and slightly polar, with tyrosine, which is neutral and polar, at codon 1170 of the EYS protein (p.Cys1170Tyr). This variant is not present in population databases (gnomAD no frequency). This variant has not been reported in the literature in individuals affected with EYS-related conditions. ClinVar contains an entry for this variant (Variation ID: 839999). Invitae Evidence Modeling of protein sequence and biophysical properties (such as structural, functional, and spatial information, amino acid conservation, physicochemical variation, residue mobility, and thermodynamic stability) indicates that this missense variant is expected to disrupt EYS protein function with a positive predictive value of 80%. In summary, the available evidence is currently insufficient to determine the role of this variant in disease. Therefore, it has been classified as a Variant of Uncertain Significance.

NM_001142800.2(EYS):c.3509G>A (p.Cys1170Tyr)

Gene: EYS (EGF-like photoreceptor maintenance factor; minus strand). Cytogenetic location: 6q12.
Variant type: single nucleotide variant.
Coding change: c.3509G>A on transcript NM_001142800.2 (MANE Select); coding-DNA position 3509, G replaced by A.
Protein change: p.Cys1170Tyr; replaces cysteine 1170 with tyrosine.
Molecular consequence: missense variant.
Genome position (GRCh38, 1-based): chr6:64,626,180, C>T on the plus strand (G>A on the coding strand, the complement: EYS is on the minus strand). VCF-style: chr6-64626180-C-T. GRCh37 (hg19) VCF-style: chr6-65336073-C-T.
Other names: c.3509G>A, p.Cys1170Tyr (NM_001292009.2); short protein forms C1170Y.
Identifiers: ClinVar variation 839999 (VCV000839999.8), dbSNP rs1767603582, ClinGen allele CA364785391.